The following is an entry in ClinVar:

NM_000611.6(CD59):c.1A>G (p.Met1Val)

Gene: CD59 (CD59 molecule (CD59 blood group); minus strand). Cytogenetic location: 11p13.
Variant type: single nucleotide variant.
Coding change: c.1A>G on transcript NM_000611.6 (MANE Select); coding-DNA position 1, A replaced by G.
Protein change: p.Met1Val; changes the start codon (methionine 1).
Molecular consequence: missense variant, initiator codon variant.
Genome position (GRCh38, 1-based): chr11:33,722,445, T>C on the plus strand (A>G on the coding strand, the complement: CD59 is on the minus strand). VCF-style: chr11-33722445-T-C. GRCh37 (hg19) VCF-style: chr11-33743991-T-C.
Other names: c.1A>G, p.Met1Val (NM_203329.3, NM_203330.2, NM_203331.3 and 4 more transcripts); short protein forms M1V.
Identifiers: ClinVar variation 1972055 (VCV001972055.3), dbSNP rs368463258, ClinGen allele CA5940808.
Genomic context (GRCh38, chr11:33,722,445, plus strand): 5'-GGCAGAAGACAGCCAGGACGAGCAGCAGCCCGAACAGGACAGACCCTCCTTGGATTCCCA[T>C]TGTGATTGTCCACAGAACCTGGAAGGAAGGGACAGGAAGGAATGTCAGGAACGAACAAAT-3'
Protein context (NP_000602.1, residues 1-11): [Met1Val]GIQGGSVLFG

ClinVar aggregate classification (germline): Uncertain significance (1 of 4 stars; one submission).

Allele frequency attached by ClinVar (database versions not stated): ExAC 0.00002; gnomAD exomes 0.00002; TOPMed 0.00002; ESP Exome Variant Server 0.00008.

Submission:

Labcorp Genetics (formerly Invitae), Labcorp
Classification: Uncertain significance. Last evaluated: 2021-12-30. Review status: criteria provided, single submitter. Criteria: Invitae Variant Classification Sherloc (09022015). Collection method: clinical testing. Allele origin: germline.
Comment: This sequence change affects the initiator methionine of the CD59 mRNA. There are no downstream in-frame methionine residues; therefore, it is expected to result in an absent or disrupted protein product. However, the current clinical and genetic evidence is not sufficient to establish whether loss-of-function variants in CD59 cause disease. This variant is present in population databases (rs368463258, gnomAD 0.003%). This variant has not been reported in the literature in individuals affected with CD59-related conditions. Algorithms developed to predict the effect of sequence changes on RNA splicing suggest that this variant may create or strengthen a splice site. In summary, the available evidence is currently insufficient to determine the role of this variant in disease. Therefore, it has been classified as a Variant of Uncertain Significance.